The following is an entry in ClinVar:

ClinVar aggregate classification (germline): Uncertain significance (1 of 4 stars; one submission).

Conditions:
Charcot-Marie-Tooth disease type 4. Also called: Charcot-Marie-Tooth, Type 4; Charcot-Marie-Tooth disease, type IV. Identifiers: Orphanet 64749, MedGen C4082197, MONDO:0018995.

Allele frequency attached by ClinVar (database versions not stated): gnomAD exomes below 0.00001.
gnomAD v4.1: 1 of 1,600,600 alleles (0.000062%); highest among the groups gnomAD compares: South Asian, 0.0011%; no homozygotes.

Submission:

Labcorp Genetics (formerly Invitae), Labcorp
Classification: Uncertain significance for Charcot-Marie-Tooth disease type 4. Last evaluated: 2017-09-04. Review status: criteria provided, single submitter. Criteria: Invitae Variant Classification Sherloc (09022015). Collection method: clinical testing. Allele origin: germline.
Comment: In summary, the available evidence is currently insufficient to determine the role of this variant in disease. Therefore, it has been classified as a Variant of Uncertain Significance. Algorithms developed to predict the effect of missense changes on protein structure and function do not agree on the potential impact of this missense change (SIFT: "Tolerated"; PolyPhen-2: "Probably Damaging"; Align-GVGD: "Class C0"). This variant has not been reported in the literature in individuals with SH3TC2-related disease. This variant is not present in population databases (ExAC no frequency). This sequence change replaces glycine with serine at codon 2 of the SH3TC2 protein (p.Gly2Ser). The glycine residue is moderately conserved and there is a small physicochemical difference between glycine and serine.

NM_024577.4(SH3TC2):c.4G>A (p.Gly2Ser)

Gene: SH3TC2 (SH3 domain and tetratricopeptide repeats 2; minus strand). Cytogenetic location: 5q32.
Variant type: single nucleotide variant.
Coding change: c.4G>A on transcript NM_024577.4 (MANE Select); coding-DNA position 4, G replaced by A.
Protein change: p.Gly2Ser; replaces glycine 2 with serine.
Molecular consequence: missense variant.
Genome position (GRCh38, 1-based): chr5:149,063,019, C>T on the plus strand (G>A on the coding strand, the complement: SH3TC2 is on the minus strand). VCF-style: chr5-149063019-C-T. GRCh37 (hg19) VCF-style: chr5-148442582-C-T.
Other names: short protein forms G2S.
Identifiers: ClinVar variation 543344 (VCV000543344.8), dbSNP rs1554124107, ClinGen allele CA361684827.